The following is an entry in ClinVar:

NM_000340.2(SLC2A2):c.30_36delinsATTTTA (p.Val11fs)

Gene: SLC2A2 (solute carrier family 2 member 2; minus strand). Cytogenetic location: 3q26.2.
Variant type: Indel.
Coding change: c.30_36delinsATTTTA on transcript NM_000340.2 (MANE Select); coding-DNA positions 30 to 36, GGTTTTC replaced by ATTTTA.
Protein change: p.Val11fs; shifts the reading frame from valine 11.
Molecular consequence: frameshift variant. On other transcripts: 5 prime UTR variant (2).
Genome position (GRCh38, 1-based): chr3:171,018,603-171,018,609, GAAAACC replaced by TAAAAT on the plus strand (GGTTTTC replaced by ATTTTA on the coding strand, the reverse complement: SLC2A2 is on the minus strand). VCF-style: chr3-171018603-GAAAACC-TAAAAT. GRCh37 (hg19) VCF-style: chr3-170736392-GAAAACC-TAAAAT.
Other names: c.-65_-59delinsATTTTA (NM_001278658.2); c.-365_-359delinsATTTTA (NM_001278659.2); short protein forms V11fs.
Identifiers: ClinVar variation 2629021 (VCV002629021.1), dbSNP rs2473923727, ClinGen allele CA2695199329.

ClinVar aggregate classification (germline): Likely pathogenic (1 of 4 stars; one submission).

Conditions:
SLC2A2-related disorder. Also called: SLC2A2-related condition.

Submission:

PreventionGenetics, part of Exact Sciences
Classification: Likely pathogenic for SLC2A2-related condition. Last evaluated: 2023-08-28. Review status: criteria provided, single submitter. Criteria: ACMG Guidelines, 2015. Collection method: clinical testing. Allele origin: germline.
Comment: The SLC2A2 c.30_36delinsATTTTA variant is predicted to result in a frameshift and premature protein termination (p.Val11Phefs*2). To our knowledge, this variant has not been reported in the literature or in a large population database, indicating this variant is rare. Frameshift variants in SLC2A2 are expected to be pathogenic. This variant is interpreted as likely pathogenic.